The following is an entry in ClinVar:

NM_000135.4(FANCA):c.1454C>T (p.Ser485Phe)

Gene: FANCA (FA complementation group A; minus strand). Cytogenetic location: 16q24.3.
Variant type: single nucleotide variant.
Coding change: c.1454C>T on transcript NM_000135.4 (MANE Select); coding-DNA position 1454, C replaced by T.
Protein change: p.Ser485Phe; replaces serine 485 with phenylalanine.
Molecular consequence: missense variant.
Genome position (GRCh38, 1-based): chr16:89,784,870, G>A on the plus strand (C>T on the coding strand, the complement: FANCA is on the minus strand). VCF-style: chr16-89784870-G-A. GRCh37 (hg19) VCF-style: chr16-89851278-G-A.
Other names: c.1454C>T, p.Ser485Phe (NM_001286167.3); short protein forms S485F.
Identifiers: ClinVar variation 851862 (VCV000851862.9), dbSNP rs760790832, ClinGen allele CA397459676.

ClinVar aggregate classification (germline): Uncertain significance (1 of 4 stars; one submission).

Conditions:
Fanconi anemia (FA). Also called: Fanconi's anemia. Identifiers: Orphanet 84, MedGen C0015625, MeSH D005199, MONDO:0019391.

Allele frequency attached by ClinVar (database versions not stated): TOPMed 0.00002.
gnomAD v4.1: 1 of 1,613,502 alleles (0.000062%); highest among the groups gnomAD compares: Non-Finnish European, 0.000085%; no homozygotes.

Submission:

Labcorp Genetics (formerly Invitae), Labcorp
Classification: Uncertain significance for Fanconi anemia. Last evaluated: 2019-05-28. Review status: criteria provided, single submitter. Criteria: Invitae Variant Classification Sherloc (09022015). Collection method: clinical testing. Allele origin: germline.
Comment: In summary, the available evidence is currently insufficient to determine the role of this variant in disease. Therefore, it has been classified as a Variant of Uncertain Significance. Algorithms developed to predict the effect of missense changes on protein structure and function are either unavailable or do not agree on the potential impact of this missense change (SIFT: "Deleterious"; PolyPhen-2: "Possibly Damaging"; Align-GVGD: "Class C0"). This variant has not been reported in the literature in individuals with FANCA-related conditions. This variant is not present in population databases (ExAC no frequency). This sequence change replaces serine with phenylalanine at codon 485 of the FANCA protein (p.Ser485Phe). The serine residue is weakly conserved and there is a large physicochemical difference between serine and phenylalanine.